The following is an entry in ClinVar:

NM_001009944.3(PKD1):c.8299C>T (p.Arg2767Cys)

Gene: PKD1 (polycystin 1, transient receptor potential channel interacting; minus strand). Cytogenetic location: 16p13.3.
Variant type: single nucleotide variant.
Coding change: c.8299C>T on transcript NM_001009944.3 (MANE Select); coding-DNA position 8299, C replaced by T.
Protein change: p.Arg2767Cys; replaces arginine 2767 with cysteine.
Molecular consequence: missense variant.
Genome position (GRCh38, 1-based): chr16:2,103,758, G>A on the plus strand (C>T on the coding strand, the complement: PKD1 is on the minus strand). VCF-style: chr16-2103758-G-A. GRCh37 (hg19) VCF-style: chr16-2153759-G-A.
Other names: p.Arg2767Cys; c.8299C>T, p.Arg2767Cys (NM_000296.4); short protein forms R2767C.
Identifiers: ClinVar variation 871751 (VCV000871751.61), dbSNP rs2092203712, ClinGen allele CA394364741.

ClinVar aggregate classification (germline): Pathogenic/Likely pathogenic. Review status: criteria provided, multiple submitters, no conflicts (2 of 4 stars). 11 submissions from 11 submitters: Pathogenic (4); Likely pathogenic (6). 1 of the submissions does not count toward it. Last evaluated 2026-01-26.

Conditions:
PKD1-related disorder. Also called: PKD1-related condition.
Polycystic kidney disease, adult type (PKD1). Also called: Polycystic Kidney Disease 1, Autosomal Dominant; Polycystic kidney disease 1; Polycystic kidney disease 1, severe; POLYCYSTIC KIDNEY DISEASE 1 WITH OR WITHOUT POLYCYSTIC LIVER DISEASE; Polycystic Kidney, Autosomal Dominant; POLYCYSTIC KIDNEY DISEASE, ADULT, TYPE I. Identifiers: MedGen C3149841, MONDO:0008263, OMIM 173900.
Polycystic kidney disease. Also called: Kidney, Polycystic; Polycystic kidney dysplasia. Identifiers: MedGen C0022680, MeSH D007690, MONDO:0020642, HP:0000113.

Allele frequency attached by ClinVar (database versions not stated): gnomAD exomes below 0.00001; TOPMed below 0.00001.
gnomAD v4.1: 2 of 1,609,954 alleles (0.00012%); highest among the groups gnomAD compares: East Asian, 0.0022%; no homozygotes.

Submissions (11):

Medical and Scientific Branch, Hong Kong Genome Institute
Classification: Likely pathogenic for Polycystic kidney disease, adult type. Last evaluated: 2026-01-26. Review status: criteria provided, single submitter. Criteria: ACMG Guidelines, 2015. Collection method: clinical testing. Allele origin: unknown. Affected: yes.

Women's Health and Genetics/Laboratory Corporation of America, LabCorp
Classification: Likely pathogenic for Polycystic kidney disease, adult type. Last evaluated: 2026-01-05. Review status: criteria provided, single submitter. Criteria: LabCorp Variant Classification Summary - May 2015. Collection method: clinical testing. Allele origin: germline.
Comment: Variant summary: PKD1 c.8299C>T (p.Arg2767Cys) results in a non-conservative amino acid change in the encoded protein sequence. Algorithms developed to predict the effect of missense changes on protein structure and function are either unavailable or do not agree on the potential impact of this missense change. The variant was absent in 247238 control chromosomes. c.8299C>T has been observed in individuals affected with Polycystic Kidney Disease 1 (Garcia-Gonzale_2007, Lanktree_2019, Benson_2021, Brazdziunaite_2025). These data indicate that the variant may be associated with disease. A different variant affecting the same codon has been classified as likely pathogenic/pathogenic by our lab (c.8300G>C, p.Arg2767Pro), supporting the critical relevance of codon 2767 to PKD1 protein function. To our knowledge, no experimental evidence demonstrating an impact on protein function has been reported. The following publications have been ascertained in the context of this evaluation (PMID: 33454723, 40760778, 17574468, 37509056, 31317121). ClinVar contains an entry for this variant (Variation ID: 871751). Based on the evidence outlined above, the variant was classified as likely pathogenic.

PreventionGenetics, part of Exact Sciences
Classification: Pathogenic for PKD1-related condition. Last evaluated: 2025-08-29. Review status: criteria provided, single submitter. Criteria: ACMG Guidelines, 2015. Collection method: clinical testing. Allele origin: germline.
Comment: The PKD1 c.8299C>T variant is predicted to result in the amino acid substitution p.Arg2767Cys. This variant has been reported in multiple presumably unrelated families with polycystic kidney disease (Garcia-Gonzalez et al. 2007. PubMed ID: 17574468; Supp. Table S5, Audrézet et al. 2012. PubMed ID: 22508176; Suppl. Table 3, Benson et al. 2021. PubMed ID: 33454723). At PreventionGenetics, this variant has been noted in the heterozygous state in presumably unrelated individuals tested for polycystic kidney disease. Alternate missense changes at the same amino acid position (p.Arg2767His, p.Arg2767Leu) have been reported in individuals with polycystic kidney disease (Table S2, Bullich et al. 2018. PubMed ID: 29801666; Supplementary tables, Kimura et al. 2023. PubMed ID: 37509056). The c.8299C>T variant has not been reported in a large population database (gnomAD), indicating this variant is rare. This variant is consistently classified as likely pathogenic or pathogenic in ClinVar (Variation ID: 871751). Taken together, this variant is interpreted as pathogenic.

GeneDx
Classification: Likely pathogenic. Last evaluated: 2025-08-14. Review status: criteria provided, single submitter. Criteria: GeneDx Variant Classification Process June 2021. Collection method: clinical testing. Allele origin: germline. Affected: yes.
Comment: Published functional studies demonstrate a damaging effect as R2767C could disrupt the protein cleavage that is critical for the protein's function (PMID: 17574468); Not observed at significant frequency in large population cohorts (gnomAD); In silico analysis supports that this missense variant has a deleterious effect on protein structure/function; This variant is associated with the following publications: (PMID: 23431072, 17574468, 22508176, 31317121, 33454723)

Victorian Clinical Genetics Services, Murdoch Childrens Research Institute
Classification: Pathogenic for Polycystic kidney disease, adult type. Last evaluated: 2025-05-19. Review status: criteria provided, single submitter. Criteria: ACMG Guidelines, 2015. Collection method: clinical testing. Allele origin: germline. Affected: yes.
Comment: This variant is classified as Pathogenic. Evidence in support of pathogenic classification: Variant is present in gnomAD <0.001 for a dominant condition (v4: 2 heterozygote(s), 0 homozygote(s)); This variant has strong previous evidence of pathogenicity in unrelated individuals. This variant has been classified as pathogenic/likely pathogenic by clinical laboratories in ClinVar, and reported in the literature in individuals with ADPKD (PMIDs: 17574468, 22508176); This variant has moderate functional evidence supporting abnormal protein function. Functional studies using transfected cells show that this variant disrupts polycyctin-1 cleavage (PMID: 17574468); Another missense variant comparable to the one identified in this case has limited previous evidence for pathogenicity. A different variant in the same codon resulting in a change to a proline has been shown to cause autosomal dominant polycystic kidney disease (ADPKD) (PMID: 22508176); Missense variant predicted to be damaging by in silico tool(s) or highly conserved with a major amino acid change. Additional information: Variant is predicted to result in a missense amino acid change from arginine to cysteine; This variant is heterozygous; This gene is associated with autosomal dominant disease. Polycystic kidney disease 1 (MIM#173900) is predominantly caused by monoallelic variants, with rare reports of biallelic variants causing disease (OMIM); Alternative amino acid change(s) at the same position are present in gnomAD (Highest allele count: v4: 20 heterozygote(s), 0 homozygote(s)); Variant is located in the annotated REJ domain (PMID: 17574468); Loss of function is a known mechanism of disease in this gene and is associated with polycystic kidney disease 1 (MIM#173900); Inheritance information for this variant is not currently available in this individual.

Mayo Clinic Laboratories, Mayo Clinic
Classification: Likely pathogenic. Last evaluated: 2025-01-20. Review status: criteria provided, single submitter. Criteria: ACMG Guidelines, 2015. Collection method: clinical testing. Allele origin: germline. Observed: 4 variant alleles.
Comment: PM1, PM2_supporting, PS3_supporting, PS4

Fulgent Genetics
Classification: Pathogenic for Polycystic kidney disease, adult type. Last evaluated: 2024-04-29. Review status: criteria provided, single submitter. Criteria: ACMG Guidelines, 2015. Collection method: clinical testing. Allele origin: germline.

Institute of Human Genetics, University of Leipzig Medical Center
Classification: Likely pathogenic for Polycystic kidney disease, adult type. Last evaluated: 2023-05-12. Review status: criteria provided, single submitter. Criteria: ACMG Guidelines, 2015. Collection method: clinical testing. Allele origin: de novo. Inheritance: Autosomal dominant inheritance. Affected: yes.
Comment: Criteria applied: PM5_STR,PS4_MOD,PM1,PM2_SUP

Cavalleri Lab, Royal College of Surgeons in Ireland
Classification: Likely pathogenic for Polycystic kidney disease, adult type. Last evaluated: 2020-02-05. Review status: criteria provided, single submitter. Criteria: ACMG Guidelines, 2015. Collection method: research. Allele origin: unknown. Inheritance: Autosomal dominant inheritance. Affected: yes.
Comment: PM1, PM2, PP3, PP4, PP5

CeGaT Center for Human Genetics Tuebingen
Classification: Pathogenic. Last evaluated: 2019-10-01. Review status: criteria provided, single submitter. Criteria: CeGaT Center For Human Genetics Tuebingen Variant Classification Criteria Version 2. Collection method: clinical testing. Allele origin: germline. Affected: yes. Observed: 2 variant alleles.

Department of Pathology and Laboratory Medicine, Sinai Health System
Classification: Pathogenic for Polycystic Kidney disease. Review status: no assertion criteria provided. Collection method: clinical testing. Allele origin: unknown. Affected: yes. Study: The Canadian Open Genetics Repository (COGR). Not counted in ClinVar's aggregate classification.
Comment: The PKD1 p.Arg2767Cys variant was identified in 4 of 1564 proband chromosomes (frequency: 0.003) from individuals or families with ADPKD (Audrezet 2012, Garcia-Gonzalez 2007). The variant was also identified in ADPKD Mutation Database (with highly likely pathogenic classification), database. The variant was not identified in dbSNP, ClinVar, Genesight-COGR, LOVD 3.0, PKD1-LOVD, databases. The variant was not identified in the 1000 Genomes Project, the NHLBI GO Exome Sequencing Project or the Exome Aggregation Consortium (August 8th 2016) control databases. The p.Arg2767 residue is conserved in mammals but not in more distantly related organisms, and computational analyses (PolyPhen-2, SIFT, AlignGVGD, BLOSUM, MutationTaster) suggest that the variant may impact the protein; however, this information is not predictive enough to assume pathogenicity. The variant occurs outside of the splicing consensus sequence and in silico or computational prediction software programs (SpliceSiteFinder, MaxEntScan, NNSPLICE, GeneSplicer, HumanSpliceFinder) do not predict a difference in splicing. The variant is located with the Egg jelly receptor, REJ-like functional domain(s) increasing the likelihood that it may have clinical significance. In summary, based on the above information this variant meets our laboratoryâ€šÃ„Ã´s criteria to be classified as pathogenic.

Literature cited by the submitters: PubMed 33454723 (cited by Women's Health and Genetics/Laboratory Corporation of America, LabCorp and Mayo Clinic Laboratories, Mayo Clinic); PubMed 17574468 (cited by 3 submitters); PubMed 37509056 (cited by Women's Health and Genetics/Laboratory Corporation of America, LabCorp and Mayo Clinic Laboratories, Mayo Clinic); PubMed 40760778 (cited by Women's Health and Genetics/Laboratory Corporation of America, LabCorp); PubMed 31317121 (cited by Women's Health and Genetics/Laboratory Corporation of America, LabCorp and Mayo Clinic Laboratories, Mayo Clinic); PubMed 22508176 (cited by Victorian Clinical Genetics Services, Murdoch Childrens Research Institute and Mayo Clinic Laboratories, Mayo Clinic); PubMed 23431072 (cited by Mayo Clinic Laboratories, Mayo Clinic); PubMed 26453610 (cited by Mayo Clinic Laboratories, Mayo Clinic); PubMed 27499327 (cited by Mayo Clinic Laboratories, Mayo Clinic).